The following is an entry in ClinVar:

NM_001854.4(COL11A1):c.611C>T (p.Thr204Met)

Gene: COL11A1 (collagen type XI alpha 1 chain; minus strand). Cytogenetic location: 1p21.1.
Variant type: single nucleotide variant.
Coding change: c.611C>T on transcript NM_001854.4 (MANE Select); coding-DNA position 611, C replaced by T.
Protein change: p.Thr204Met; replaces threonine 204 with methionine.
Molecular consequence: missense variant. On other transcripts: non-coding transcript variant (1).
Genome position (GRCh38, 1-based): chr1:103,074,658, G>A on the plus strand (C>T on the coding strand, the complement: COL11A1 is on the minus strand). VCF-style: chr1-103074658-G-A. GRCh37 (hg19) VCF-style: chr1-103540214-G-A.
Other names: c.611C>T, p.Thr204Met (NM_001190709.2, NM_080629.3, NM_080630.4); c.611C>T (NM_001854.3); short protein forms T204M.
Identifiers: ClinVar variation 1367373 (VCV001367373.9), dbSNP rs199595073, ClinGen allele CA975402.
Genomic context (GRCh38, chr1:103,074,658, plus strand): 5'-AGAGTTGGATTTATTTTTACCTCAAAAACTTCTTCATCCAAAATCCTTGTTCCAAAAACC[G>A]TGATTCCATTGGTATCAACAATTGCTCTCTCACTTCTATCAAGTGGTTTCGTGGTTTTCT-3'
Protein context (NP_001845.3, residues 194-214): ERAIVDTNGI[Thr204Met]VFGTRILDEE

ClinVar aggregate classification (germline): Conflicting classifications of pathogenicity. Review status: criteria provided, conflicting classifications (1 of 4 stars). 4 submissions from 4 submitters: Uncertain significance (3); Benign (1). Last evaluated 2025-11-16.

Conditions:
COL11A1-related disorder. Also called: COL11A1-related disorders; COL11A1-related condition.
Inborn genetic diseases. Identifiers: MedGen C0950123, MeSH D030342.

Allele frequency attached by ClinVar (database versions not stated): gnomAD exomes 0.00001 and 0.00004; gnomAD 0.00002 and 0.00003; ExAC 0.00003; TOPMed 0.00006; 1000 Genomes Project 30x 0.00016; 1000 Genomes Project 0.00020.
gnomAD v4.1: 28 of 1,613,176 alleles (0.0017%); highest among the groups gnomAD compares: East Asian, 0.022%; no homozygotes.

Submissions (4):

Labcorp Genetics (formerly Invitae), Labcorp
Classification: Benign. Last evaluated: 2025-11-16. Review status: criteria provided, single submitter. Criteria: Invitae Variant Classification Sherloc (09022015). Collection method: clinical testing. Allele origin: germline.

PreventionGenetics, part of Exact Sciences
Classification: Uncertain significance for COL11A1-related condition. Last evaluated: 2025-01-06. Review status: criteria provided, single submitter. Criteria: ACMG Guidelines, 2015. Collection method: clinical testing. Allele origin: germline.
Comment: The COL11A1 c.611C>T variant is predicted to result in the amino acid substitution p.Thr204Met. This variant in the heterozygous condition has been reported in an individual with hearing loss (Table S2, Ma et al. 2023. PubMed ID: 36597107). This variant is reported in 0.040% of alleles in individuals of East Asian descent in gnomAD. Although we suspect that this variant may be benign, at this time, the clinical significance of this variant is uncertain due to the absence of conclusive functional and genetic evidence.

GeneDx
Classification: Uncertain significance. Last evaluated: 2024-04-03. Review status: criteria provided, single submitter. Criteria: GeneDx Variant Classification Process June 2021. Collection method: clinical testing. Allele origin: germline. Affected: yes.
Comment: Identified in a patient with hearing loss in published literature (PMID: 36597107); Not located in the triple helical region, where the majority of pathogenic missense variants occur (HGMD; PMID: 25240749); In silico analysis supports that this missense variant has a deleterious effect on protein structure/function; This variant is associated with the following publications: (PMID: 25240749, 36597107)

Ambry Genetics
Classification: Uncertain significance for Inborn genetic diseases. Last evaluated: 2024-02-06. Review status: criteria provided, single submitter. Criteria: Ambry Variant Classification Scheme 2023. Collection method: clinical testing. Allele origin: germline.